The following is an entry in ClinVar:

ClinVar aggregate classification (germline): Uncertain significance (1 of 4 stars; one submission).

Conditions:
Arrhythmogenic right ventricular dysplasia 13. Also called: ARRHYTHMOGENIC RIGHT VENTRICULAR CARDIOMYOPATHY 13; Arrhythmogenic right ventricular dysplasia, familial, 13. Identifiers: MedGen C3810138, MONDO:0000908, OMIM 615616.

Submission:

Labcorp Genetics (formerly Invitae), Labcorp
Classification: Uncertain significance for Arrhythmogenic right ventricular dysplasia 13. Last evaluated: 2022-04-06. Review status: criteria provided, single submitter. Criteria: Invitae Variant Classification Sherloc (09022015). Collection method: clinical testing. Allele origin: germline.
Comment: In summary, the available evidence is currently insufficient to determine the role of this variant in disease. Therefore, it has been classified as a Variant of Uncertain Significance. Algorithms developed to predict the effect of missense changes on protein structure and function (SIFT, PolyPhen-2, Align-GVGD) all suggest that this variant is likely to be tolerated. This variant has not been reported in the literature in individuals affected with CTNNA3-related conditions. This variant is not present in population databases (gnomAD no frequency). This sequence change replaces methionine, which is neutral and non-polar, with leucine, which is neutral and non-polar, at codon 481 of the CTNNA3 protein (p.Met481Leu).

NM_013266.4(CTNNA3):c.1441A>T (p.Met481Leu)

Gene: CTNNA3 (catenin alpha 3; minus strand). Cytogenetic location: 10q21.3.
Variant type: single nucleotide variant.
Coding change: c.1441A>T on transcript NM_013266.4 (MANE Select); coding-DNA position 1441, A replaced by T.
Protein change: p.Met481Leu; replaces methionine 481 with leucine.
Molecular consequence: missense variant.
Genome position (GRCh38, 1-based): chr10:66,520,707, T>A on the plus strand (A>T on the coding strand, the complement: CTNNA3 is on the minus strand). VCF-style: chr10-66520707-T-A. GRCh37 (hg19) VCF-style: chr10-68280465-T-A.
Other names: c.1441A>T, p.Met481Leu (NM_001127384.3); short protein forms M481L.
Identifiers: ClinVar variation 2104963 (VCV002104963.4), dbSNP rs2547261667, ClinGen allele CA377091382.